The following is an entry in ClinVar:

NM_001130987.2(DYSF):c.1034-27A>G

Gene: DYSF (dysferlin; plus strand). Cytogenetic location: 2p13.2.
Variant type: single nucleotide variant.
Coding change: c.1034-27A>G on transcript NM_001130987.2 (MANE Select); 27 bases into the intron before coding-DNA position 1034, A replaced by G.
Molecular consequence: intron variant.
Genome position (GRCh38, 1-based): chr2:71,520,762, A>G. VCF-style: chr2-71520762-A-G. GRCh37 (hg19) VCF-style: chr2-71747892-A-G.
Other names: c.1031-27A>G (NM_001130979.2, NM_001130981.2, NM_001130980.2); c.938-27A>G (NM_001130978.2, NM_003494.4, NM_001130977.2 and 1 more transcripts); c.1034-27A>G (NM_001130982.2, NM_001130985.2); c.941-27A>G (NM_001130983.2, NM_001130455.2, NM_001130984.2 and 1 more transcripts).
Identifiers: ClinVar variation 678972 (VCV000678972.2), dbSNP rs114703564, ClinGen allele CA1705590.

ClinVar aggregate classification (germline): Likely benign. Review status: criteria provided, multiple submitters, no conflicts (2 of 4 stars). 2 submissions from 2 submitters: Likely benign (2). Last evaluated 2018-06-19.

Allele frequency attached by ClinVar (database versions not stated): ESP Exome Variant Server 0.01346; TOPMed 0.01434; 1000 Genomes Project 0.01538; 1000 Genomes Project 30x 0.01577.
gnomAD v4.1: 3,843 of 1,606,660 alleles (0.24%); highest among the groups gnomAD compares: African/African-American, 4.5%; 90 homozygotes.

Submissions (2):

GeneDx
Classification: Likely benign. Last evaluated: 2018-06-19. Review status: criteria provided, single submitter. Criteria: GeneDx Variant Classification (06012015). Collection method: clinical testing. Allele origin: germline. Affected: yes.
Comment: This variant is considered likely benign or benign based on one or more of the following criteria: it is a conservative change, it occurs at a poorly conserved position in the protein, it is predicted to be benign by multiple in silico algorithms, and/or has population frequency not consistent with disease.

Breakthrough Genomics
Classification: Likely benign. Review status: criteria provided, single submitter. Criteria: ACMG Guidelines, 2015. Collection method: not provided. Allele origin: germline. Inheritance: Autosomal recessive inheritance. Affected: yes.